The following is an entry in ClinVar:

NM_022489.4(INF2):c.3406T>A (p.Ser1136Thr)

Gene: INF2 (inverted formin 2; plus strand). Cytogenetic location: 14q32.33.
Variant type: single nucleotide variant.
Coding change: c.3406T>A on transcript NM_022489.4 (MANE Select); coding-DNA position 3406, T replaced by A.
Protein change: p.Ser1136Thr; replaces serine 1136 with threonine.
Molecular consequence: missense variant.
Genome position (GRCh38, 1-based): chr14:104,714,568, T>A. VCF-style: chr14-104714568-T-A. GRCh37 (hg19) VCF-style: chr14-105180905-T-A.
Other names: c.3406T>A, p.Ser1136Thr (NM_001031714.4); short protein forms S1136T.
Identifiers: ClinVar variation 2574433 (VCV002574433.1), dbSNP rs754329710, ClinGen allele CA7373240.

ClinVar aggregate classification (germline): Uncertain significance (1 of 4 stars; one submission).

Allele frequency attached by ClinVar (database versions not stated): ExAC 0.00001; gnomAD exomes 0.00001.
gnomAD v4.1: 3 of 1,612,620 alleles (0.00019%); highest among the groups gnomAD compares: Non-Finnish European, 0.00025%; no homozygotes.

Submission:

GeneDx
Classification: Uncertain significance. Last evaluated: 2023-01-26. Review status: criteria provided, single submitter. Criteria: GeneDx Variant Classification Process June 2021. Collection method: clinical testing. Allele origin: germline. Affected: yes.
Comment: Not observed at significant frequency in large population cohorts (gnomAD); In silico analysis supports that this missense variant does not alter protein structure/function; Has not been previously published as pathogenic or benign to our knowledge